The following is an entry in ClinVar:

NM_000179.3(MSH6):c.1788T>A (p.Phe596Leu)

Gene: MSH6 (mutS homolog 6; plus strand). Cytogenetic location: 2p16.3.
Variant type: single nucleotide variant.
Coding change: c.1788T>A on transcript NM_000179.3 (MANE Select); coding-DNA position 1788, T replaced by A.
Protein change: p.Phe596Leu; replaces phenylalanine 596 with leucine.
Molecular consequence: missense variant.
Genome position (GRCh38, 1-based): chr2:47,799,771, T>A. VCF-style: chr2-47799771-T-A. GRCh37 (hg19) VCF-style: chr2-48026910-T-A.
Other names: c.1398T>A, p.Phe466Leu (NM_001281492.2); c.882T>A, p.Phe294Leu (NM_001281493.2, NM_001281494.2, NM_001406811.1 and 6 more transcripts); c.1884T>A, p.Phe628Leu (NM_001406795.1, NM_001406802.1); c.1788T>A, p.Phe596Leu (NM_001406796.1, NM_001406798.1, NM_001406800.1 and 3 more transcripts); c.1491T>A, p.Phe497Leu (NM_001406797.1, NM_001406801.1, NM_001406805.1 and 10 more transcripts); c.1263T>A, p.Phe421Leu (NM_001406799.1, NM_001406806.1, NM_001406807.1); c.1710T>A, p.Phe570Leu (NM_001406804.1); c.1794T>A, p.Phe598Leu (NM_001406813.1); and 1 more; short protein forms F540L, F628L, F497L, F596L, F294L, F421L, F466L, F570L.
Identifiers: ClinVar variation 1780131 (VCV001780131.2), dbSNP rs1669373352, ClinGen allele CA346749275.
Genomic context (GRCh38, chr2:47,799,771, plus strand): 5'-TCGCCATTGTTCGAGATTTAGGACTCTAGTGGCACACTATCCCCCAGTACAAGTTTTATT[T>A]GAAAAAGGAAATCTCTCAAAGGAAACTAAAACAATTCTAAAGAGTTCATTGTCCTGTTCT-3'
Protein context (NP_000170.1, residues 586-606): VAHYPPVQVL[Phe596Leu]EKGNLSKETK

ClinVar aggregate classification (germline): Uncertain significance (1 of 4 stars; one submission).

Conditions:
Hereditary cancer-predisposing syndrome. Also called: Neoplastic Syndromes, Hereditary; Tumor predisposition; Hereditary Cancer Syndrome; Hereditary neoplastic syndrome. Identifiers: Orphanet 140162, MedGen C0027672, MeSH D009386, MONDO:0015356.

Submission:

Ambry Genetics
Classification: Uncertain significance for Hereditary cancer-predisposing syndrome. Last evaluated: 2022-10-27. Review status: criteria provided, single submitter. Criteria: Ambry Variant Classification Scheme 2023. Collection method: clinical testing. Allele origin: germline.
Comment: The p.F596L variant (also known as c.1788T>A), located in coding exon 4 of the MSH6 gene, results from a T to A substitution at nucleotide position 1788. The phenylalanine at codon 596 is replaced by leucine, an amino acid with highly similar properties. This amino acid position is conserved. In addition, the in silico prediction for this alteration is inconclusive. Since supporting evidence is limited at this time, the clinical significance of this alteration remains unclear.